The following is an entry in ClinVar:

ClinVar aggregate classification (germline): Pathogenic. Review status: criteria provided, multiple submitters, no conflicts (2 of 4 stars). 4 submissions from 4 submitters: Pathogenic (3). 1 of the submissions does not count toward it. Last evaluated 2024-12-13.

Conditions:
X-linked Alport syndrome (ATS1). Also called: COL4A5-Related Nephropathy; NEPHROPATHY AND DEAFNESS, X-LINKED. Identifiers: Orphanet 63, Orphanet 88917, MedGen C4746986, MONDO:0010520, OMIM 301050.

Submissions (4):

Labcorp Genetics (formerly Invitae), Labcorp
Classification: Pathogenic. Last evaluated: 2024-12-13. Review status: criteria provided, single submitter. Criteria: Invitae Variant Classification Sherloc (09022015). Collection method: clinical testing. Allele origin: germline.
Comment: This sequence change replaces glycine, which is neutral and non-polar, with aspartic acid, which is acidic and polar, at codon 334 of the COL4A5 protein (p.Gly334Asp). This variant is not present in population databases (gnomAD no frequency). This missense change has been observed in individual(s) with clinical features of Alport syndrome (internal data). ClinVar contains an entry for this variant (Variation ID: 1184578). Invitae Evidence Modeling of protein sequence and biophysical properties (such as structural, functional, and spatial information, amino acid conservation, physicochemical variation, residue mobility, and thermodynamic stability) indicates that this missense variant is expected to disrupt COL4A5 protein function with a positive predictive value of 95%. This variant disrupts the triple helix domain of COL4A5. Glycine residues within the Gly-Xaa-Yaa repeats of the triple helix domain are required for the structure and stability of fibrillar collagens (PMID: 7695699, 8218237, 19344236). In COL4A5, missense variants at these glycine residues are significantly enriched in individuals with disease (PMID: 23720012, 27627812) compared to the general population (ExAC). This variant disrupts the p.Gly334 amino acid residue in COL4A5. Other variant(s) that disrupt this residue have been observed in individuals with COL4A5-related conditions (PMID: 19728970, 24304881), which suggests that this may be a clinically significant amino acid residue. For these reasons, this variant has been classified as Pathogenic.

GeneDx
Classification: Pathogenic. Last evaluated: 2024-06-10. Review status: criteria provided, single submitter. Criteria: GeneDx Variant Classification Process June 2021. Collection method: clinical testing. Allele origin: germline.
Comment: Affects a glycine residue in a Gly-X-Y motif in the triple helical region of the COL4A5 gene, where the majority of pathogenic missense variants occur, and is predicted to disrupt normal protein folding and function (PMID: 10752524); Not observed at significant frequency in large population cohorts (gnomAD); In silico analysis supports that this missense variant has a deleterious effect on protein structure/function; This variant is associated with the following publications: (PMID: 34758253, 38249544, 31328266, 10752524)

Victorian Clinical Genetics Services, Murdoch Childrens Research Institute
Classification: Pathogenic for X-linked Alport syndrome. Last evaluated: 2021-05-06. Review status: criteria provided, single submitter. Criteria: ACMG Guidelines, 2015. Collection method: clinical testing. Allele origin: germline. Inheritance: X-linked dominant inheritance. Affected: yes.
Comment: Based on the classification scheme VCGS_Germline_v1.3.4, this variant is classified as Pathogenic. Following criteria are met: 0103 - Dominant negative and loss of function are known mechanisms of disease in this gene and are associated with X-linked Alport syndrome 1 (MIM#301050). Glycine changes in the G-X-Y repeat within the triple helix of a collagen domain are known to have a dominant-negative effect (PMID: 12028435). (I) 0110 - This gene is associated with X-linked dominant disease. (I) 0115 - Variants in this gene are known to have variable expressivity. Male patients tend to be more severly affected than females (PMID: 19965530). (I) 0200 - Variant is predicted to result in a missense amino acid change from glycine to aspartic acid. (I) 0253 - This variant is hemizygous. (I) 0301 - Variant is absent from gnomAD (both v2 and v3). (SP) 0501 - Missense variant consistently predicted to be damaging by multiple in silico tools or highly conserved with a major amino acid change. (SP) 0601 - Variant is located in a well-established functional domain. The variant affects the glycine residue in a Gly-X-Y motif of the collagen triple helix repeat (PDB). (SP) 0702 - Other missense variants comparable to the one identified in this case have strong previous evidence for pathogenicity. Alternative changes at the same residue to valine and serine have previously been reported as pathogenic in individuals with X-linked Alport syndrome 1 (MIM#301050) (ClinVar, HGMD, LOVD). (SP) 0803 - This variant has limited previous evidence of pathogenicity in an unrelated individual. The variant has previously been classified as pathogenic in a single report (LOVD). (SP) 0905 - No published segregation evidence has been identified for this variant. (I) 1007 - No published functional evidence has been identified for this variant. (I) 1208 - Inheritance information for this variant is not currently available in this individual. (I) Legend: (SP) - Supporting pathogenic, (I) - Information, (SB) - Supporting benign

Genomics England Pilot Project, Genomics England
Classification: Likely pathogenic for X-linked Alport syndrome. Review status: no assertion criteria provided. Criteria: ACGS Guidelines, 2016. Collection method: clinical testing. Allele origin: germline. Affected: yes. Not counted in ClinVar's aggregate classification.

Literature cited by the submitters: PubMed 7695699 (cited by Labcorp Genetics (formerly Invitae), Labcorp); PubMed 8218237 (cited by Labcorp Genetics (formerly Invitae), Labcorp); PubMed 19344236 (cited by Labcorp Genetics (formerly Invitae), Labcorp); PubMed 23720012 (cited by Labcorp Genetics (formerly Invitae), Labcorp); PubMed 27627812 (cited by Labcorp Genetics (formerly Invitae), Labcorp); PubMed 19728970 (cited by Labcorp Genetics (formerly Invitae), Labcorp); PubMed 24304881 (cited by Labcorp Genetics (formerly Invitae), Labcorp); PubMed 12028435 (cited by Victorian Clinical Genetics Services, Murdoch Childrens Research Institute); PubMed 19965530 (cited by Victorian Clinical Genetics Services, Murdoch Childrens Research Institute).

NM_033380.3(COL4A5):c.1001G>A (p.Gly334Asp)

Gene: COL4A5 (collagen type IV alpha 5 chain; plus strand). Cytogenetic location: Xq22.3.
Variant type: single nucleotide variant.
Coding change: c.1001G>A on transcript NM_033380.3 (MANE Select); coding-DNA position 1001, G replaced by A.
Protein change: p.Gly334Asp; replaces glycine 334 with aspartic acid.
Molecular consequence: missense variant.
Genome position (GRCh38, 1-based): chrX:108,584,494, G>A. VCF-style: chrX-108584494-G-A. GRCh37 (hg19) VCF-style: chrX-107827724-G-A.
Other names: c.1001G>A, p.Gly334Asp (NM_000495.5); c.1001G>A (NM_033380.2); short protein forms G334D.
Identifiers: ClinVar variation 1184578 (VCV001184578.14), dbSNP rs104886093, ClinGen allele CA413928933.